The following is an entry in ClinVar:

ClinVar aggregate classification (germline): Pathogenic (0 of 4 stars; one submission).

Conditions:
Fanconi anemia complementation group A (FANCA). Also called: Fanconi anemia, group A; FANCA-Related Fanconi Anemia. Identifiers: Orphanet 84, MedGen C3469521, MONDO:0009215, OMIM 227650.

Submission:

Leiden Open Variation Database
Classification: Pathogenic for Fanconi anemia complementation group A. Last evaluated: 2020-02-28. Review status: no assertion criteria provided. Collection method: curation. Allele origin: germline. Affected: yes.
Comment: Curator: Arleen D. Auerbach. Submitter to LOVD: Arleen D. Auerbach.

Literature cited by the submitters: PubMed 25168418.

NC_000016.10:g.(89808368_89810706)_(89815987_89816536)del

Gene: FANCA (FA complementation group A; minus strand). Cytogenetic location: 16q24.3.
Variant type: Deletion.
Identifiers: ClinVar variation 974279 (VCV000974279.1).